The following is an entry in ClinVar:

ClinVar aggregate classification (germline): Conflicting classifications of pathogenicity. Review status: criteria provided, conflicting classifications (1 of 4 stars). 5 submissions from 5 submitters: Uncertain significance (1); Benign (1); Likely benign (2). 1 of the submissions does not count toward it. Last evaluated 2025-11-07.

Conditions:
TENM4-related disorder. Also called: TENM4-related condition.

Allele frequency attached by ClinVar (database versions not stated): 1000 Genomes Project 30x 0.00031; 1000 Genomes Project 0.00040; ExAC 0.00086; gnomAD 0.00088 and 0.00090; gnomAD exomes 0.00091; TOPMed 0.00094; ESP Exome Variant Server 0.00114.
gnomAD v4.1: 1,884 of 1,613,910 alleles (0.12%); highest among the groups gnomAD compares: Non-Finnish European, 0.14%; 1 homozygote.

Submissions (5):

Mayo Clinic Laboratories, Mayo Clinic
Classification: Uncertain significance. Last evaluated: 2025-11-07. Review status: criteria provided, single submitter. Criteria: ACMG Guidelines, 2015. Collection method: clinical testing. Allele origin: germline. Observed: 3 variant alleles.
Comment: BS2, PP3

CeGaT Center for Human Genetics Tuebingen
Classification: Benign. Last evaluated: 2025-11-01. Review status: criteria provided, single submitter. Criteria: CeGaT Center For Human Genetics Tuebingen Variant Classification Criteria Version 2. Collection method: clinical testing. Allele origin: germline. Affected: yes. Observed: 4 variant alleles.
Comment: TENM4: BS1, BS2

Blueprint Genetics
Classification: Likely benign. Last evaluated: 2024-11-23. Review status: criteria provided, single submitter. Criteria: ACMG Guidelines, 2015. Collection method: clinical testing. Allele origin: germline.

Labcorp Genetics (formerly Invitae), Labcorp
Classification: Likely benign. Last evaluated: 2019-12-31. Review status: criteria provided, single submitter. Criteria: Invitae Variant Classification Sherloc (09022015). Collection method: clinical testing. Allele origin: germline.

PreventionGenetics, part of Exact Sciences
Classification: Likely benign for TENM4-related condition. Last evaluated: 2023-05-09. Review status: no assertion criteria provided. Collection method: clinical testing. Allele origin: germline. Not counted in ClinVar's aggregate classification.
Comment: This variant is classified as likely benign based on ACMG/AMP sequence variant interpretation guidelines (Richards et al. 2015 PMID: 25741868, with internal and published modifications).

NM_001098816.3(TENM4):c.5612C>G (p.Pro1871Arg)

Gene: TENM4 (teneurin transmembrane protein 4; minus strand). Cytogenetic location: 11q14.1.
Variant type: single nucleotide variant.
Coding change: c.5612C>G on transcript NM_001098816.3 (MANE Select); coding-DNA position 5612, C replaced by G.
Protein change: p.Pro1871Arg; replaces proline 1871 with arginine.
Molecular consequence: missense variant.
Genome position (GRCh38, 1-based): chr11:78,672,214, G>C on the plus strand (C>G on the coding strand, the complement: TENM4 is on the minus strand). VCF-style: chr11-78672214-G-C. GRCh37 (hg19) VCF-style: chr11-78383259-G-C.
Other names: p.Pro1871Arg; short protein forms P1871R.
Identifiers: ClinVar variation 788829 (VCV000788829.31), dbSNP rs199973967, ClinGen allele CA6206565.